The following is an entry in ClinVar:

NM_001197104.2(KMT2A):c.6244G>A (p.Val2082Ile)

Gene: KMT2A (lysine methyltransferase 2A; plus strand). Cytogenetic location: 11q23.3.
Variant type: single nucleotide variant.
Coding change: c.6244G>A on transcript NM_001197104.2 (MANE Select); coding-DNA position 6244, G replaced by A.
Protein change: p.Val2082Ile; replaces valine 2082 with isoleucine.
Molecular consequence: missense variant.
Genome position (GRCh38, 1-based): chr11:118,501,072, G>A. VCF-style: chr11-118501072-G-A. GRCh37 (hg19) VCF-style: chr11-118371787-G-A.
Other names: c.6334G>A, p.Val2112Ile (NM_001412597.1); c.6235G>A, p.Val2079Ile (NM_005933.4); short protein forms V2112I, V2079I, V2082I.
Identifiers: ClinVar variation 2860856 (VCV002860856.3), dbSNP rs1555045463, ClinGen allele CA382801071.

ClinVar aggregate classification (germline): Uncertain significance (1 of 4 stars; one submission).

Allele frequency attached by ClinVar (database versions not stated): gnomAD exomes below 0.00001.
gnomAD v4.1: 6 of 1,614,084 alleles (0.00037%); highest among the groups gnomAD compares: African/African-American, 0.0013%; no homozygotes.

Submission:

Labcorp Genetics (formerly Invitae), Labcorp
Classification: Uncertain significance. Last evaluated: 2024-10-25. Review status: criteria provided, single submitter. Criteria: Invitae Variant Classification Sherloc (09022015). Collection method: clinical testing. Allele origin: germline.
Comment: This sequence change replaces valine, which is neutral and non-polar, with isoleucine, which is neutral and non-polar, at codon 2082 of the KMT2A protein (p.Val2082Ile). The frequency data for this variant in the population databases is considered unreliable, as metrics indicate poor data quality at this position in the gnomAD database. This variant has not been reported in the literature in individuals affected with KMT2A-related conditions. Invitae Evidence Modeling of protein sequence and biophysical properties (such as structural, functional, and spatial information, amino acid conservation, physicochemical variation, residue mobility, and thermodynamic stability) indicates that this missense variant is not expected to disrupt KMT2A protein function with a negative predictive value of 95%. In summary, the available evidence is currently insufficient to determine the role of this variant in disease. Therefore, it has been classified as a Variant of Uncertain Significance.